The following is an entry in ClinVar:

NM_000038.6(APC):c.865del (p.Ala289fs)

Gene: APC (APC regulator of Wnt signaling pathway; plus strand). Cytogenetic location: 5q22.2.
Variant type: Deletion.
Coding change: c.865del on transcript NM_000038.6 (MANE Select); coding-DNA position 865, one base deleted (G; older notation c.865delG).
Protein change: p.Ala289fs; shifts the reading frame from alanine 289.
Molecular consequence: frameshift variant. On other transcripts: non-coding transcript variant (2).
Genome position (GRCh38, 1-based): chr5:112,815,525, G deleted. VCF-style (leftmost placement, unchanged base first): chr5-112815524-AG-A. GRCh37 (hg19) VCF-style: chr5-112151221-AG-A.
Other names: c.865del, p.Ala289fs (NM_001127510.3, NM_001354895.2, NM_001354896.2 and 12 more transcripts); c.811del, p.Ala271fs (NM_001127511.3); c.895del, p.Ala299fs (NM_001354897.2, NM_001354902.2, NM_001407446.1); c.790del, p.Ala264fs (NM_001354898.2, NM_001354904.2, NM_001407451.1); c.781del, p.Ala261fs (NM_001354899.2, NM_001407452.1, NM_001407467.1 and 1 more transcripts); c.688del, p.Ala230fs (NM_001354900.2, NM_001354901.2, NM_001354905.2 and 1 more transcripts); c.16del, p.Ala6fs (NM_001354906.2, NM_001407470.1, NM_001407471.1 and 1 more transcripts); short protein forms A230fs, A261fs, A264fs, A271fs, A289fs, A299fs, A6fs.
Identifiers: ClinVar variation 2584145 (VCV002584145.2), dbSNP rs2532967361, ClinGen allele CA2582341270.

ClinVar aggregate classification (germline): Pathogenic (1 of 4 stars; one submission).

Conditions:
Familial adenomatous polyposis 1 (FAP1). Also called: FAMILIAL ADENOMATOUS POLYPOSIS 1, ATTENUATED; POLYPOSIS, ADENOMATOUS INTESTINAL. Identifiers: MedGen C2713442, MONDO:0021056, OMIM 175100. Disease mechanism: loss of function.

Submission:

Myriad Genetics, Inc.
Classification: Pathogenic for Familial adenomatous polyposis 1. Last evaluated: 2023-04-27. Review status: criteria provided, single submitter. Criteria: Myriad Autosomal Dominant, Autosomal Recessive and X-Linked Classification Criteria (2023). Collection method: clinical testing. Allele origin: unknown.
Comment: This variant is considered pathogenic. This variant creates a frameshift predicted to result in premature protein truncation.